The following is an entry in ClinVar:

ClinVar aggregate classification (germline): Likely pathogenic (1 of 4 stars; one submission).

Conditions:
Shashi-Pena syndrome (SHAPNS). Identifiers: Orphanet 689408, MedGen C4310672, MONDO:0014963, OMIM 617190.

Submission:

Neuberg Centre For Genomic Medicine, NCGM
Classification: Likely pathogenic for Shashi-Pena syndrome. Review status: criteria provided, single submitter. Criteria: ACMG Guidelines, 2015. Collection method: clinical testing. Allele origin: germline. Inheritance: Autosomal dominant inheritance. Affected: yes.
Comment: The observed stop gained variant c.1207A>T(p.Lys403Ter) in ASXL2 gene has not been reported previously as a pathogenic variant nor as a benign variant, to our knowledge. The variant c.1207A>T is absent in gnomAD Exomes. This variant is predicted to cause loss of normal protein function through protein truncation. Loss of function variants have been previously reported to be disease causing (Shashi V, et al., 2016). For these reasons, this variant has been classified as Likely Pathogenic.

NM_018263.6(ASXL2):c.1207A>T (p.Lys403Ter)

Gene: ASXL2 (ASXL transcriptional regulator 2; minus strand). Cytogenetic location: 2p23.3.
Variant type: single nucleotide variant.
Coding change: c.1207A>T on transcript NM_018263.6 (MANE Select); coding-DNA position 1207, A replaced by T.
Protein change: p.Lys403Ter; replaces lysine 403 with a stop codon.
Molecular consequence: nonsense.
Genome position (GRCh38, 1-based): chr2:25,750,349, T>A on the plus strand (A>T on the coding strand, the complement: ASXL2 is on the minus strand). VCF-style: chr2-25750349-T-A. GRCh37 (hg19) VCF-style: chr2-25973218-T-A.
Other names: c.1033A>T, p.Lys345Ter (NM_001369346.1); c.427A>T, p.Lys143Ter (NM_001369347.1); short protein forms K143*, K345*, K403*.
Identifiers: ClinVar variation 3242174 (VCV003242174.1), dbSNP rs2465315449.